The following is an entry in ClinVar:

NM_006922.4(SCN3A):c.129T>G (p.Asn43Lys)

Gene: SCN3A (sodium voltage-gated channel alpha subunit 3; minus strand). Cytogenetic location: 2q24.3.
Variant type: single nucleotide variant.
Coding change: c.129T>G on transcript NM_006922.4 (MANE Select); coding-DNA position 129, T replaced by G.
Protein change: p.Asn43Lys; replaces asparagine 43 with lysine.
Molecular consequence: missense variant.
Genome position (GRCh38, 1-based): chr2:165,176,266, A>C on the plus strand (T>G on the coding strand, the complement: SCN3A is on the minus strand). VCF-style: chr2-165176266-A-C. GRCh37 (hg19) VCF-style: chr2-166032776-A-C.
Other names: c.129T>G, p.Asn43Lys (NM_001081676.2, NM_001081677.2); short protein forms N43K.
Identifiers: ClinVar variation 842602 (VCV000842602.9), dbSNP rs1416468958, ClinGen allele CA349241006.

ClinVar aggregate classification (germline): Uncertain significance (1 of 4 stars; one submission).

Submission:

Labcorp Genetics (formerly Invitae), Labcorp
Classification: Uncertain significance. Last evaluated: 2022-11-01. Review status: criteria provided, single submitter. Criteria: Invitae Variant Classification Sherloc (09022015). Collection method: clinical testing. Allele origin: germline.
Comment: In summary, the available evidence is currently insufficient to determine the role of this variant in disease. Therefore, it has been classified as a Variant of Uncertain Significance. Advanced modeling of protein sequence and biophysical properties (such as structural, functional, and spatial information, amino acid conservation, physicochemical variation, residue mobility, and thermodynamic stability) performed at Invitae indicates that this missense variant is not expected to disrupt SCN3A protein function. ClinVar contains an entry for this variant (Variation ID: 842602). This variant has not been reported in the literature in individuals affected with SCN3A-related conditions. This variant is not present in population databases (gnomAD no frequency). This sequence change replaces asparagine, which is neutral and polar, with lysine, which is basic and polar, at codon 43 of the SCN3A protein (p.Asn43Lys).